The following is an entry in ClinVar:

NM_005762.3(TRIM28):c.24C>G (p.Ala8=)

Gene: TRIM28 (tripartite motif containing 28; plus strand). Cytogenetic location: 19q13.43.
Variant type: single nucleotide variant.
Coding change: c.24C>G on transcript NM_005762.3 (MANE Select); coding-DNA position 24, C replaced by G.
Protein change: p.Ala8=; no amino-acid change (alanine 8 retained).
Molecular consequence: synonymous variant.
Genome position (GRCh38, 1-based): chr19:58,544,781, C>G. VCF-style: chr19-58544781-C-G. GRCh37 (hg19) VCF-style: chr19-59056148-C-G.
Identifiers: ClinVar variation 3684852 (VCV003684852.2).

ClinVar aggregate classification (germline): Uncertain significance (1 of 4 stars; one submission).

gnomAD v4.1: 16 of 1,172,104 alleles (0.0014%); highest among the groups gnomAD compares: Admixed American, 0.014%; no homozygotes.

Submission:

Labcorp Genetics (formerly Invitae), Labcorp
Classification: Uncertain significance. Last evaluated: 2024-11-07. Review status: criteria provided, single submitter. Criteria: Invitae Variant Classification Sherloc (09022015). Collection method: clinical testing. Allele origin: germline.
Comment: This sequence change affects codon 8 of the TRIM28 mRNA. It is a 'silent' change, meaning that it does not change the encoded amino acid sequence of the TRIM28 protein. This variant is present in population databases (no rsID available, gnomAD 0.01%). This variant has not been reported in the literature in individuals affected with TRIM28-related conditions. Experimental studies and prediction algorithms are not available or were not evaluated, and the effect of this variant on mRNA splicing is currently unknown. In summary, the available evidence is currently insufficient to determine the role of this variant in disease. Therefore, it has been classified as a Variant of Uncertain Significance.